The following is an entry in ClinVar:

ClinVar aggregate classification (germline): Likely pathogenic (1 of 4 stars; one submission).

Conditions:
Congenital myasthenic syndrome 8. Also called: Myasthenic syndrome, congenital, 8, with pre- and postsynaptic defects; MYASTHENIC SYNDROME, CONGENITAL, DUE TO AGRIN DEFICIENCY. Identifiers: Orphanet 590, MedGen C3808739, MONDO:0014052, OMIM 615120.

Allele frequency attached by ClinVar (database versions not stated): gnomAD exomes 0.00001.
gnomAD v4.1: 8 of 1,612,994 alleles (0.0005%); highest among the groups gnomAD compares: Non-Finnish European, 0.00068%; no homozygotes.

Submission:

Labcorp Genetics (formerly Invitae), Labcorp
Classification: Likely pathogenic for Congenital myasthenic syndrome 8. Last evaluated: 2023-04-11. Review status: criteria provided, single submitter. Criteria: Invitae Variant Classification Sherloc (09022015). Collection method: clinical testing. Allele origin: germline.
Comment: This variant has not been reported in the literature in individuals affected with AGRN-related conditions. This variant is not present in population databases (gnomAD no frequency). This sequence change affects an acceptor splice site in intron 2 of the AGRN gene. It is expected to disrupt RNA splicing. Variants that disrupt the donor or acceptor splice site typically lead to a loss of protein function (PMID: 16199547), and loss-of-function variants in AGRN are known to be pathogenic (PMID: 24951643). In summary, the currently available evidence indicates that the variant is pathogenic, but additional data are needed to prove that conclusively. Therefore, this variant has been classified as Likely Pathogenic. Algorithms developed to predict the effect of sequence changes on RNA splicing suggest that this variant may disrupt the consensus splice site.

Literature cited by the submitters: PubMed 16199547; PubMed 24951643.

NM_198576.4(AGRN):c.464-2A>G

Gene: AGRN (agrin; plus strand). Cytogenetic location: 1p36.33.
Variant type: single nucleotide variant.
Coding change: c.464-2A>G on transcript NM_198576.4 (MANE Select); the canonical splice acceptor site of the intron before coding-DNA position 464, A replaced by G.
Molecular consequence: splice acceptor variant.
Genome position (GRCh38, 1-based): chr1:1,035,275, A>G. VCF-style: chr1-1035275-A-G. GRCh37 (hg19) VCF-style: chr1-970655-A-G.
Other names: c.464-2A>G (NM_001305275.2); c.149-2A>G (NM_001364727.2).
Identifiers: ClinVar variation 2814533 (VCV002814533.3), dbSNP rs1332051427, ClinGen allele CA337817995.